The following is an entry in ClinVar:

NM_000051.4(ATM):c.2241G>T (p.Gln747His)

Gene: ATM (ATM serine/threonine kinase; plus strand). Cytogenetic location: 11q22.3.
Variant type: single nucleotide variant.
Coding change: c.2241G>T on transcript NM_000051.4 (MANE Select); coding-DNA position 2241, G replaced by T.
Protein change: p.Gln747His; replaces glutamine 747 with histidine.
Molecular consequence: missense variant.
Genome position (GRCh38, 1-based): chr11:108,256,331, G>T. VCF-style: chr11-108256331-G-T. GRCh37 (hg19) VCF-style: chr11-108127058-G-T.
Other names: c.2241G>T, p.Gln747His (NM_001351834.2); short protein forms Q747H.
Identifiers: ClinVar variation 4618210 (VCV004618210.1).

ClinVar aggregate classification (germline): Uncertain significance (1 of 4 stars; one submission).

Conditions:
Hereditary cancer-predisposing syndrome. Also called: Neoplastic Syndromes, Hereditary; Tumor predisposition; Hereditary Cancer Syndrome; Hereditary neoplastic syndrome. Identifiers: Orphanet 140162, MedGen C0027672, MeSH D009386, MONDO:0015356.

Submission:

Ambry Genetics
Classification: Uncertain significance for Hereditary cancer-predisposing syndrome. Last evaluated: 2025-11-05. Review status: criteria provided, single submitter. Criteria: Ambry Variant Classification Scheme 2023. Collection method: clinical testing. Allele origin: germline.
Comment: The p.Q747H variant (also known as c.2241G>T), located in coding exon 13 of the ATM gene, results from a G to T substitution at nucleotide position 2241. The glutamine at codon 747 is replaced by histidine, an amino acid with highly similar properties. This amino acid position is conserved. In addition, this alteration is predicted to be tolerated by in silico analysis. Based on the available evidence, the clinical significance of this variant remains unclear.